The following is an entry in ClinVar:

ClinVar aggregate classification (germline): Uncertain significance (1 of 4 stars; one submission).

Submission:

Labcorp Genetics (formerly Invitae), Labcorp
Classification: Uncertain significance. Last evaluated: 2022-11-07. Review status: criteria provided, single submitter. Criteria: Invitae Variant Classification Sherloc (09022015). Collection method: clinical testing. Allele origin: germline.
Comment: In summary, the available evidence is currently insufficient to determine the role of this variant in disease. Therefore, it has been classified as a Variant of Uncertain Significance. This sequence change replaces aspartic acid, which is acidic and polar, with glutamic acid, which is acidic and polar, at codon 1120 of the ERCC6L2 protein (p.Asp1120Glu). This variant is not present in population databases (gnomAD no frequency). This variant has not been reported in the literature in individuals affected with ERCC6L2-related conditions. Algorithms developed to predict the effect of missense changes on protein structure and function are either unavailable or do not agree on the potential impact of this missense change (SIFT: "Deleterious"; PolyPhen-2: "Not Available"; Align-GVGD: "Class C0").

NM_020207.7(ERCC6L2):c.3327T>G (p.Asp1109Glu)

Gene: ERCC6L2 (ERCC excision repair 6 like 2; plus strand). Cytogenetic location: 9q22.32.
Variant type: single nucleotide variant.
Coding change: c.3327T>G on transcript NM_020207.7 (MANE Select); coding-DNA position 3327, T replaced by G.
Protein change: p.Asp1109Glu; replaces aspartic acid 1109 with glutamic acid.
Molecular consequence: missense variant. On other transcripts: non-coding transcript variant (1).
Genome position (GRCh38, 1-based): chr9:95,973,078, T>G. VCF-style: chr9-95973078-T-G. GRCh37 (hg19) VCF-style: chr9-98735360-T-G.
Other names: c.3327T>G, p.Asp1109Glu (NM_001375291.1, NM_001375292.1, NM_001375293.1 and 1 more transcripts); short protein forms D1109E.
Identifiers: ClinVar variation 2786016 (VCV002786016.2), dbSNP rs2490562734, ClinGen allele CA2579390418.
Genomic context (GRCh38, chr9:95,973,078, plus strand): 5'-ACCAATGAAATGTTCAAATGAGAAAGTTGTTAATCAAGAGCAGTCGTATGAATCAATGGA[T>G]AAATTTTTAGGTAACTAAAGACACATTCTCAAAACTTTAAAAAGTATATTTGTTTTATCA-3'
Protein context (NP_064592.3, residues 1099-1119): VNQEQSYESM[Asp1109Glu]KFLDGVQEVA